The following is an entry in ClinVar:

NM_001368894.2(PAX6):c.518G>A (p.Arg173His)

Gene: PAX6 (paired box 6; minus strand). Cytogenetic location: 11p13.
Variant type: single nucleotide variant.
Coding change: c.518G>A on transcript NM_001368894.2 (MANE Select); coding-DNA position 518, G replaced by A.
Protein change: p.Arg173His; replaces arginine 173 with histidine.
Molecular consequence: missense variant. On other transcripts: non-coding transcript variant (2).
Genome position (GRCh38, 1-based): chr11:31,800,738, C>T on the plus strand (G>A on the coding strand, the complement: PAX6 is on the minus strand). VCF-style: chr11-31800738-C-T. GRCh37 (hg19) VCF-style: chr11-31822286-C-T.
Other names: c.476G>A, p.Arg159His (NM_000280.6, NM_001127612.3, NM_001258464.2 and 10 more transcripts); c.518G>A, p.Arg173His (NM_001258462.3, NM_001258463.2, NM_001310158.2 and 6 more transcripts); c.68G>A, p.Arg23His (NM_001310160.2, NM_001310161.3, NM_001368899.2 and 11 more transcripts); c.719G>A, p.Arg240His (NM_001368910.2); c.521G>A, p.Arg174His (NM_001368911.2); c.593G>A, p.Arg198His (NM_001368918.2, NM_001368919.2); c.551G>A, p.Arg184His (NM_001368920.2); c.317G>A, p.Arg106His (NM_001368921.2, NM_001368922.2, NM_001368923.2 and 4 more transcripts); and 1 more; short protein forms R106H, R159H, R184H, R173H, R23H, R198H, R92H, R174H.
Identifiers: ClinVar variation 2129723 (VCV002129723.4), dbSNP rs1953485711, ClinGen allele CA379958026.
Genomic context (GRCh38, chr11:31,800,738, plus strand): 5'-GCTTGGGTTTTACCTTGCGTAGGTTGCCCTGGCACCGAAGTCCCCGGATACCAACCAGGG[C>T]GGGTGCCCCAGCTTCCGGTCTGCCCGTTCAACATCCTTAGTTTATCATACATGCCGTCTG-3'
Protein context (NP_001355823.1, residues 163-183): LNGQTGSWGT[Arg173His]PGWYPGTSVP

ClinVar aggregate classification (germline): Uncertain significance (1 of 4 stars; one submission).

Conditions:
Irido-corneo-trabecular dysgenesis (ASGD5). Also called: ANTERIOR SEGMENT DYSGENESIS 5. Identifiers: Orphanet 708, MedGen C0344559, MONDO:0011414, OMIM 604229, HP:0000659.
Aniridia 1 (AN1). Identifiers: Orphanet 250923, MedGen C0344542, MONDO:0024507, OMIM 106210.

Allele frequency attached by ClinVar (database versions not stated): gnomAD exomes below 0.00001; gnomAD 0.00001; TOPMed 0.00001.
gnomAD v4.1: 3 of 1,614,070 alleles (0.00019%); highest among the groups gnomAD compares: African/African-American, 0.0027%; no homozygotes.

Submission:

Labcorp Genetics (formerly Invitae), Labcorp
Classification: Uncertain significance for Aniridia 1; Irido-corneo-trabecular dysgenesis. Last evaluated: 2024-03-27. Review status: criteria provided, single submitter. Criteria: Invitae Variant Classification Sherloc (09022015). Collection method: clinical testing. Allele origin: germline.
Comment: This sequence change replaces arginine, which is basic and polar, with histidine, which is basic and polar, at codon 159 of the PAX6 protein (p.Arg159His). This variant is not present in population databases (gnomAD no frequency). This variant has not been reported in the literature in individuals affected with PAX6-related conditions. ClinVar contains an entry for this variant (Variation ID: 2129723). Advanced modeling of protein sequence and biophysical properties (such as structural, functional, and spatial information, amino acid conservation, physicochemical variation, residue mobility, and thermodynamic stability) performed at Invitae indicates that this missense variant is not expected to disrupt PAX6 protein function with a negative predictive value of 80%. In summary, the available evidence is currently insufficient to determine the role of this variant in disease. Therefore, it has been classified as a Variant of Uncertain Significance.